The following is an entry in ClinVar:

NM_201253.3(CRB1):c.127T>C (p.Ser43Pro)

Gene: CRB1 (crumbs cell polarity complex component 1; plus strand). Cytogenetic location: 1q31.3.
Variant type: single nucleotide variant.
Coding change: c.127T>C on transcript NM_201253.3 (MANE Select); coding-DNA position 127, T replaced by C.
Protein change: p.Ser43Pro; replaces serine 43 with proline.
Molecular consequence: missense variant. On other transcripts: 5 prime UTR variant (1), non-coding transcript variant (2).
Genome position (GRCh38, 1-based): chr1:197,328,478, T>C. VCF-style: chr1-197328478-T-C. GRCh37 (hg19) VCF-style: chr1-197297608-T-C.
Other names: c.127T>C, p.Ser43Pro (NM_001193640.2, NM_001257966.2); c.-81T>C (NM_001257965.2); short protein forms S43P.
Identifiers: ClinVar variation 1395276 (VCV001395276.6), dbSNP rs1254919944, ClinGen allele CA344085081.
Genomic context (GRCh38, chr1:197,328,478, plus strand): 5'-GTAGATTCCTTTTGCAATAAAAACAACACCAGGTGCCTCTCAAATTCTTGCCAAAACAAT[T>C]CTACATGCAAAGATTTTTCAAAAGACAATGATTGTTCTTGTTCAGACACAGCCAATAATT-3'
Protein context (NP_957705.1, residues 33-53): RCLSNSCQNN[Ser43Pro]TCKDFSKDND

ClinVar aggregate classification (germline): Uncertain significance. Review status: criteria provided, multiple submitters, no conflicts (2 of 4 stars). 7 submissions from 5 submitters: Uncertain significance (6). 1 of the submissions does not count toward it. Last evaluated 2024-09-06.

Conditions:
Leber congenital amaurosis 8 (LCA8). Identifiers: Orphanet 65, MedGen C3151202, MONDO:0013453, OMIM 613835.
Pigmented paravenous retinochoroidal atrophy. Identifiers: Orphanet 251295, MedGen C1868310, MONDO:0008246, OMIM 172870.
Retinal dystrophy. Also called: Inherited retinal dystrophy. Identifiers: Orphanet 71862, MedGen C0854723, MeSH D058499, MONDO:0019118, HP:0000556.
Retinitis pigmentosa 12 (RP12). Also called: RP WITH OR WITHOUT PPRPE; RP WITH OR WITHOUT PRESERVED PARAARTERIOLE RETINAL PIGMENT EPITHELIUM; RETINITIS PIGMENTOSA WITH OR WITHOUT PARAARTERIOLAR PRESERVATION OF RETINAL PIGMENT EPITHELIUM. Identifiers: Orphanet 791, MedGen C1838647, MONDO:0010818, OMIM 600105.

Allele frequency attached by ClinVar (database versions not stated): gnomAD 0.00001; gnomAD exomes 0.00001; TOPMed 0.00001.
gnomAD v4.1: 18 of 1,614,082 alleles (0.0011%); highest among the groups gnomAD compares: Non-Finnish European, 0.0014%; no homozygotes.

Submissions (7):

Blueprint Genetics
Classification: Uncertain significance. Last evaluated: 2024-09-06. Review status: criteria provided, single submitter. Criteria: ACMG Guidelines, 2015. Collection method: clinical testing. Allele origin: germline.

Genome-Nilou Lab
Classification: Uncertain significance for Leber congenital amaurosis 8. Last evaluated: 2023-04-11. Review status: criteria provided, single submitter. Criteria: ACMG Guidelines, 2015. Collection method: clinical testing. Allele origin: germline. Affected: no.

Genome-Nilou Lab
Classification: Uncertain significance for Pigmented paravenous retinochoroidal atrophy. Last evaluated: 2023-04-11. Review status: criteria provided, single submitter. Criteria: ACMG Guidelines, 2015. Collection method: clinical testing. Allele origin: germline. Affected: no.

Genome-Nilou Lab
Classification: Uncertain significance for Retinitis pigmentosa 12. Last evaluated: 2023-04-11. Review status: criteria provided, single submitter. Criteria: ACMG Guidelines, 2015. Collection method: clinical testing. Allele origin: germline. Affected: no.

Fulgent Genetics
Classification: Uncertain significance for Pigmented paravenous retinochoroidal atrophy; Retinitis pigmentosa 12; Leber congenital amaurosis 8. Last evaluated: 2022-04-26. Review status: criteria provided, single submitter. Criteria: ACMG Guidelines, 2015. Collection method: clinical testing. Allele origin: unknown.

Labcorp Genetics (formerly Invitae), Labcorp
Classification: Uncertain significance for Leber congenital amaurosis 8; Retinitis pigmentosa 12. Last evaluated: 2022-04-12. Review status: criteria provided, single submitter. Criteria: Invitae Variant Classification Sherloc (09022015). Collection method: clinical testing. Allele origin: germline.
Comment: This sequence change replaces serine, which is neutral and polar, with proline, which is neutral and non-polar, at codon 43 of the CRB1 protein (p.Ser43Pro). This variant is not present in population databases (gnomAD no frequency). This variant has not been reported in the literature in individuals affected with CRB1-related conditions. Advanced modeling of protein sequence and biophysical properties (such as structural, functional, and spatial information, amino acid conservation, physicochemical variation, residue mobility, and thermodynamic stability) performed at Invitae indicates that this missense variant is expected to disrupt CRB1 protein function. In summary, the available evidence is currently insufficient to determine the role of this variant in disease. Therefore, it has been classified as a Variant of Uncertain Significance.

Institute of Human Genetics, Univ. Regensburg, Univ. Regensburg
Classification: Uncertain significance for Retinal dystrophy. Last evaluated: 2014-01-01. Review status: no assertion criteria provided. Criteria: ACMG Guidelines, 2015. Collection method: clinical testing. Allele origin: germline. Affected: yes. Not counted in ClinVar's aggregate classification.